The following is an entry in ClinVar:

NM_004370.6(COL12A1):c.4883C>T (p.Thr1628Ile)

Gene: COL12A1 (collagen type XII alpha 1 chain; minus strand). Cytogenetic location: 6q13.
Variant type: single nucleotide variant.
Coding change: c.4883C>T on transcript NM_004370.6 (MANE Select); coding-DNA position 4883, C replaced by T.
Protein change: p.Thr1628Ile; replaces threonine 1628 with isoleucine.
Molecular consequence: missense variant.
Genome position (GRCh38, 1-based): chr6:75,142,106, G>A on the plus strand (C>T on the coding strand, the complement: COL12A1 is on the minus strand). VCF-style: chr6-75142106-G-A. GRCh37 (hg19) VCF-style: chr6-75851822-G-A.
Other names: c.1391C>T, p.Thr464Ile (NM_080645.3); short protein forms T464I, T1628I.
Identifiers: ClinVar variation 1399089 (VCV001399089.8), dbSNP rs368180489, ClinGen allele CA3893320.
Genomic context (GRCh38, chr6:75,142,106, plus strand): 5'-GCAGTCACTGGAGGAGACTCCCCCTCGTCATGTACTGCAGAAACGCTGACTGTGTACAAG[G>A]TCTGTGAGAAGAGGTCTTTGAGGGAAGTGCTGGTCTCTGATCTGTCCACCTCTACCTATA-3'
Protein context (NP_004361.3, residues 1618-1638): STSLKDLFSQ[Thr1628Ile]LYTVSVSAVH

ClinVar aggregate classification (germline): Uncertain significance (1 of 4 stars; one submission).

Conditions:
Bethlem myopathy 2 (BTHLM2). Identifiers: Orphanet 536516, Orphanet 610, MedGen C4225313, MONDO:0034022, OMIM 616471.
Ullrich congenital muscular dystrophy 2 (UCMD2). Identifiers: Orphanet 75840, MedGen C4225314, MONDO:0014654, OMIM 616470.

Allele frequency attached by ClinVar (database versions not stated): ESP Exome Variant Server 0.00008; gnomAD 0.00001; TOPMed 0.00001.
gnomAD v4.1: 6 of 1,614,008 alleles (0.00037%); highest among the groups gnomAD compares: Non-Finnish European, 0.00051%; no homozygotes.

Submission:

Labcorp Genetics (formerly Invitae), Labcorp
Classification: Uncertain significance for Bethlem myopathy 2; Ullrich congenital muscular dystrophy 2. Last evaluated: 2025-09-16. Review status: criteria provided, single submitter. Criteria: Invitae Variant Classification Sherloc (09022015). Collection method: clinical testing. Allele origin: germline.
Comment: This sequence change replaces threonine, which is neutral and polar, with isoleucine, which is neutral and non-polar, at codon 1628 of the COL12A1 protein (p.Thr1628Ile). This variant is present in population databases (rs368180489, gnomAD 0.003%). This variant has not been reported in the literature in individuals affected with COL12A1-related conditions. ClinVar contains an entry for this variant (Variation ID: 1399089). Invitae Evidence Modeling of protein sequence and biophysical properties (such as structural, functional, and spatial information, amino acid conservation, physicochemical variation, residue mobility, and thermodynamic stability) has been performed for this missense variant. However, the output from this modeling did not meet the statistical confidence thresholds required to predict the impact of this variant on COL12A1 protein function. In summary, the available evidence is currently insufficient to determine the role of this variant in disease. Therefore, it has been classified as a Variant of Uncertain Significance.